The following is an entry in ClinVar:

ClinVar aggregate classification (germline): Benign/Likely benign. Review status: criteria provided, multiple submitters, no conflicts (2 of 4 stars). 6 submissions from 6 submitters: Benign (2); Likely benign (1). 3 of the submissions do not count toward it. Last evaluated 2026-01-24.

Conditions:
SLC7A14-related disorder. Also called: SLC7A14-related condition.
Retinitis pigmentosa 68 (RP68). Identifiers: Orphanet 791, MedGen C3810380, MONDO:0014323, OMIM 615725.
Retinal dystrophy. Also called: Inherited retinal dystrophy. Identifiers: Orphanet 71862, MedGen C0854723, MeSH D058499, MONDO:0019118, HP:0000556.

Allele frequency attached by ClinVar (database versions not stated): ESP Exome Variant Server 0.00008; gnomAD 0.00058 and 0.00084; gnomAD exomes 0.00061 and 0.00173; TOPMed 0.00118; ExAC 0.00190; 1000 Genomes Project 30x 0.00312; 1000 Genomes Project 0.00339.
gnomAD v4.1: 1,019 of 1,614,218 alleles (0.063%); highest among the groups gnomAD compares: East Asian, 2.1%; 11 homozygotes.

Submissions (6):

Labcorp Genetics (formerly Invitae), Labcorp
Classification: Benign. Last evaluated: 2026-01-24. Review status: criteria provided, single submitter. Criteria: Invitae Variant Classification Sherloc (09022015). Collection method: clinical testing. Allele origin: germline.

Dept Of Ophthalmology, Nagoya University
Classification: Benign for Retinal dystrophy. Last evaluated: 2023-10-01. Review status: criteria provided, single submitter. Criteria: Submitter's publication. Collection method: research. Allele origin: germline. Affected: yes.

Fulgent Genetics
Classification: Likely benign for Retinitis pigmentosa 68. Last evaluated: 2022-03-31. Review status: criteria provided, single submitter. Criteria: ACMG Guidelines, 2015. Collection method: clinical testing. Allele origin: unknown.

Reproductive Health Research and Development, BGI Genomics
Classification: Pathogenic for Retinitis pigmentosa 68. Last evaluated: 2020-01-06. Review status: no assertion criteria provided. Collection method: curation. Allele origin: germline. Not counted in ClinVar's aggregate classification.
Comment: NM_020949.2:c.988G>A in the SLC7A14 gene has an allele frequency of 0.023 in East Asian subpopulation in the gnomAD database. This c.988G>A (p.Gly330Arg) variant has been observed in multiple individuals affected with autosomal recessive retinitis pigmentosa, including one in homozygous state and two in compound heterozygous state (PMID: 24670872). Experimental studies have shown that G330R expressing cells showed a diffuse pattern of Slc7a14 expression throughout the cytoplasm (PMID: 24670872). Pathogenic computational verdict because pathogenic predictions from DANN, DEOGEN2, EIGEN, FATHMM-MKL, MutationAssessor, MutationTaster, PrimateAI, REVEL and SIFT. Taken together, we interprete this variant as Pathogenic/Likely pathogenic variant. ACMG/AMP Criteria applied: PP3, PM3_Strong, PS3, BS1.

PreventionGenetics, part of Exact Sciences
Classification: Likely benign for SLC7A14-related condition. Last evaluated: 2019-07-17. Review status: no assertion criteria provided. Collection method: clinical testing. Allele origin: germline. Not counted in ClinVar's aggregate classification.
Comment: This variant is classified as likely benign based on ACMG/AMP sequence variant interpretation guidelines (Richards et al. 2015 PMID: 25741868, with internal and published modifications).

OMIM
Classification: Pathogenic for RETINITIS PIGMENTOSA 68. Last evaluated: 2014-03-27. Review status: no assertion criteria provided. Collection method: literature only. Allele origin: germline. Not counted in ClinVar's aggregate classification.

Literature cited by the submitters: PubMed 24670872 (cited by OMIM).

NM_020949.3(SLC7A14):c.988G>A (p.Gly330Arg)

Genes: SLC7A14 (solute carrier family 7 member 14; minus strand), SLC7A14-AS1 (SLC7A14 antisense RNA 1; plus strand). Cytogenetic location: 3q26.2.
Variant type: single nucleotide variant.
Coding change: c.988G>A on transcript NM_020949.3 (MANE Select); coding-DNA position 988, G replaced by A.
Protein change: p.Gly330Arg; replaces glycine 330 with arginine.
Molecular consequence: missense variant.
Genome position (GRCh38, 1-based): chr3:170,483,441, C>T on the plus strand (G>A on the coding strand, the complement: SLC7A14 is on the minus strand). VCF-style: chr3-170483441-C-T. GRCh37 (hg19) VCF-style: chr3-170201230-C-T.
Other names: short protein forms G330R.
Identifiers: ClinVar variation 126446 (VCV000126446.17), dbSNP rs2276717, ClinGen allele CA151150.